The following is an entry in ClinVar:

NM_020338.4(ZMIZ1):c.2869C>T (p.Pro957Ser)

Gene: ZMIZ1 (zinc finger MIZ-type containing 1; plus strand). Cytogenetic location: 10q22.3.
Variant type: single nucleotide variant.
Coding change: c.2869C>T on transcript NM_020338.4 (MANE Select); coding-DNA position 2869, C replaced by T.
Protein change: p.Pro957Ser; replaces proline 957 with serine.
Molecular consequence: missense variant.
Genome position (GRCh38, 1-based): chr10:79,310,957, C>T. VCF-style: chr10-79310957-C-T. GRCh37 (hg19) VCF-style: chr10-81070714-C-T.
Other names: short protein forms P957S.
Identifiers: ClinVar variation 4747535 (VCV004747535.1).

ClinVar aggregate classification (germline): Uncertain significance (1 of 4 stars; one submission).

gnomAD v4.1: 2 of 1,613,938 alleles (0.00012%); highest among the groups gnomAD compares: Non-Finnish European, 0.00017%; no homozygotes.

Submission:

Labcorp Genetics (formerly Invitae), Labcorp
Classification: Uncertain significance. Last evaluated: 2025-09-05. Review status: criteria provided, single submitter. Criteria: Invitae Variant Classification Sherloc (09022015). Collection method: clinical testing. Allele origin: germline.
Comment: This sequence change replaces proline, which is neutral and non-polar, with serine, which is neutral and polar, at codon 957 of the ZMIZ1 protein (p.Pro957Ser). This variant is not present in population databases (gnomAD no frequency). This variant has not been reported in the literature in individuals affected with ZMIZ1-related conditions. Invitae Evidence Modeling of protein sequence and biophysical properties (such as structural, functional, and spatial information, amino acid conservation, physicochemical variation, residue mobility, and thermodynamic stability) indicates that this missense variant is not expected to disrupt ZMIZ1 protein function with a negative predictive value of 95%. In summary, the available evidence is currently insufficient to determine the role of this variant in disease. Therefore, it has been classified as a Variant of Uncertain Significance.